The following is an entry in ClinVar:

NM_006269.2(RP1):c.5335A>T (p.Asn1779Tyr)

Genes: RP1 (RP1 axonemal microtubule associated; plus strand), LOC126860392 (CDK7 strongly-dependent group 2 enhancer GRCh37_chr8:55541319-55542518; plus strand). Cytogenetic location: 8q12.1.
Variant type: single nucleotide variant.
Coding change: c.5335A>T on transcript NM_006269.2 (MANE Select); coding-DNA position 5335, A replaced by T.
Protein change: p.Asn1779Tyr; replaces asparagine 1779 with tyrosine.
Molecular consequence: missense variant.
Genome position (GRCh38, 1-based): chr8:54,629,217, A>T. VCF-style: chr8-54629217-A-T. GRCh37 (hg19) VCF-style: chr8-55541777-A-T.
Other names: short protein forms N1779Y.
Identifiers: ClinVar variation 363306 (VCV000363306.10), dbSNP rs748293359, ClinGen allele CA4752046.
Genomic context (GRCh38, chr8:54,629,217, plus strand): 5'-GAAAATCCTGGCATGTGTGGCAATGCAGACACCACATCAGTGGACACCCTACTTGATAAT[A>T]ACAGCAGTGAGGTACCATATTCACATTTTGGTAATTTGGCCCCAGGCCCAACGATGGATG-3'
Protein context (NP_006260.1, residues 1769-1789): TTSVDTLLDN[Asn1779Tyr]SSEVPYSHFG

ClinVar aggregate classification (germline): Likely benign. Review status: criteria provided, multiple submitters, no conflicts (2 of 4 stars). 3 submissions from 3 submitters: Likely benign (3). Last evaluated 2024-12-04.

Conditions:
Retinitis pigmentosa (RP). Identifiers: Orphanet 791, MedGen C0035334, MeSH D012174, MONDO:0019200, OMIM 268000. Inheritance: Autosomal dominant, autosomal recessive and X linked inheritance.

Allele frequency attached by ClinVar (database versions not stated): gnomAD exomes 0.00003 and 0.00017; gnomAD 0.00006; TOPMed 0.00007; ExAC 0.00017.
gnomAD v4.1: 47 of 1,614,022 alleles (0.0029%); highest among the groups gnomAD compares: East Asian, 0.1%; no homozygotes.

Submissions (3):

Labcorp Genetics (formerly Invitae), Labcorp
Classification: Likely benign. Last evaluated: 2024-12-04. Review status: criteria provided, single submitter. Criteria: Invitae Variant Classification Sherloc (09022015). Collection method: clinical testing. Allele origin: germline.

Blueprint Genetics
Classification: Likely benign. Last evaluated: 2023-09-19. Review status: criteria provided, single submitter. Criteria: ACMG Guidelines, 2015. Collection method: clinical testing. Allele origin: germline.

Illumina Laboratory Services, Illumina
Classification: Likely benign for Retinitis pigmentosa. Last evaluated: 2018-01-13. Review status: criteria provided, single submitter. Criteria: ICSL Variant Classification Criteria 13 December 2019. Collection method: clinical testing. Allele origin: germline.
Comment: This variant was observed in the ICSL laboratory as part of a predisposition screen in an ostensibly healthy population. It had not been previously curated by ICSL or reported in the Human Gene Mutation Database (HGMD: prior to June 1st, 2018), and was therefore a candidate for classification through an automated scoring system. Utilizing variant allele frequency, disease prevalence and penetrance estimates, and inheritance mode, an automated score was calculated to assess if this variant is too frequent to cause the disease. Based on the score and internal cut-off values, a variant classified as likely benign is not then subjected to further curation. The score for this variant resulted in a classification of likely benign for this disease.